The following is an entry in ClinVar:

ClinVar aggregate classification (germline): Uncertain significance. Review status: criteria provided, multiple submitters, no conflicts (2 of 4 stars). 2 submissions from 2 submitters: Uncertain significance (2). Last evaluated 2026-06-09.

Conditions:
Hereditary cancer-predisposing syndrome. Also called: Tumor predisposition; Hereditary Cancer Syndrome; Neoplastic Syndromes, Hereditary; Hereditary neoplastic syndrome. Identifiers: Orphanet 140162, MedGen C0027672, MeSH D009386, MONDO:0015356.

gnomAD v4.1: 1 of 1,613,634 alleles (0.000062%); highest among the groups gnomAD compares: South Asian, 0.0011%; no homozygotes.

Submissions (2):

Ambry Genetics
Classification: Uncertain significance for Hereditary cancer-predisposing syndrome. Last evaluated: 2026-06-09. Review status: criteria provided, single submitter. Criteria: Ambry Variant Classification Scheme 2023. Collection method: clinical testing. Allele origin: germline.
Comment: The p.P2381L variant (also known as c.7142C>T), located in coding exon 13 of the BRCA2 gene, results from a C to T substitution at nucleotide position 7142. The proline at codon 2381 is replaced by leucine, an amino acid with similar properties. This amino acid position is not well conserved in available vertebrate species. In addition, the in silico prediction for this alteration is inconclusive. Based on the available evidence, the clinical significance of this variant remains unclear.

Color Diagnostics, LLC DBA Color Health
Classification: Uncertain significance for Hereditary cancer-predisposing syndrome. Last evaluated: 2019-05-08. Review status: criteria provided, single submitter. Criteria: ACMG Guidelines, 2015. Collection method: clinical testing. Allele origin: germline.

NM_000059.4(BRCA2):c.7142C>T (p.Pro2381Leu)

Gene: BRCA2 (BRCA2 DNA repair associated; plus strand). Cytogenetic location: 13q13.1.
Variant type: single nucleotide variant.
Coding change: c.7142C>T on transcript NM_000059.4 (MANE Select); coding-DNA position 7142, C replaced by T.
Protein change: p.Pro2381Leu; replaces proline 2381 with leucine.
Molecular consequence: missense variant.
Genome position (GRCh38, 1-based): chr13:32,354,995, C>T. VCF-style: chr13-32354995-C-T. GRCh37 (hg19) VCF-style: chr13-32929132-C-T.
Other names: short protein forms P2381L.
Identifiers: ClinVar variation 630690 (VCV000630690.4), dbSNP rs746751519, ClinGen allele CA387739017.